The following is an entry in ClinVar:

ClinVar aggregate classification (germline): Uncertain significance (1 of 4 stars; one submission).

Conditions:
HNSHA due to aldolase A deficiency (GSD12). Also called: GSD XII; RED CELL ALDOLASE DEFICIENCY; Glycogen storage disease due to aldolase A deficiency; GLYCOGEN STORAGE DISEASE XII. Identifiers: Orphanet 57, MedGen C0272066, MONDO:0012747, OMIM 611881.

Submission:

Labcorp Genetics (formerly Invitae), Labcorp
Classification: Uncertain significance for HNSHA due to aldolase A deficiency. Last evaluated: 2018-03-29. Review status: criteria provided, single submitter. Criteria: Invitae Variant Classification Sherloc (09022015). Collection method: clinical testing. Allele origin: germline.
Comment: A gross duplication of the genomic region encompassing the full coding sequence of the ALDOA gene has been identified. The boundaries of this event are unknown as the duplication extends beyond the assayed region for this gene and therefore may encompass additional genes. As the precise location of this duplication is unknown, it may be in tandem or it may be located elsewhere in the genome. This variant has not been reported in the literature in individuals with ALDOA-related disease. In summary, the available evidence is currently insufficient to determine the role of this variant in disease. Therefore, it has been classified as a Variant of Uncertain Significance.

NC_000016.9:g.(?_30066083)_(30081533_?)dup

Genes: ALDOA (aldolase, fructose-bisphosphate A; plus strand), LOC112694756 (uncharaterized LOC112694756; plus strand), LOC130058806 (ATAC-STARR-seq lymphoblastoid silent region 7349; plus strand), LOC130058807 (ATAC-STARR-seq lymphoblastoid silent region 7350; plus strand). Cytogenetic location: 16p11.2.
Variant type: Duplication.
Identifiers: ClinVar variation 583847 (VCV000583847.1).